The following is an entry in ClinVar:

ClinVar aggregate classification (germline): Pathogenic. Review status: criteria provided, multiple submitters, no conflicts (2 of 4 stars). 2 submissions from 2 submitters: Pathogenic (2). Last evaluated 2026-06-02.

Conditions:
Tuberous sclerosis 1 (TSC1). Identifiers: Orphanet 805, MedGen C1854465, MONDO:0008612, OMIM 191100.

Submissions (2):

Myriad Genetics, Inc.
Classification: Pathogenic for Tuberous sclerosis 1. Last evaluated: 2026-06-02. Review status: criteria provided, single submitter. Criteria: Myriad Autosomal Dominant, Autosomal Recessive and X-Linked Classification Criteria (2023). Collection method: clinical testing. Allele origin: unknown.
Comment: This variant is considered pathogenic. This variant creates a termination codon and is predicted to result in premature protein truncation.

Labcorp Genetics (formerly Invitae), Labcorp
Classification: Pathogenic for Tuberous sclerosis 1. Last evaluated: 2021-04-17. Review status: criteria provided, single submitter. Criteria: Invitae Variant Classification Sherloc (09022015). Collection method: clinical testing. Allele origin: germline.
Comment: For these reasons, this variant has been classified as Pathogenic. Loss-of-function variants in TSC1 are known to be pathogenic (PMID: 10227394, 17304050). This variant has not been reported in the literature in individuals with TSC1-related conditions. This variant is not present in population databases (ExAC no frequency). This sequence change creates a premature translational stop signal (p.Glu864*) in the TSC1 gene. It is expected to result in an absent or disrupted protein product.

Literature cited by the submitters: PubMed 10227394 (cited by Labcorp Genetics (formerly Invitae), Labcorp); PubMed 17304050 (cited by Labcorp Genetics (formerly Invitae), Labcorp).

NM_000368.5(TSC1):c.2590G>T (p.Glu864Ter)

Gene: TSC1 (TSC complex subunit 1; minus strand). Cytogenetic location: 9q34.13.
Variant type: single nucleotide variant.
Coding change: c.2590G>T on transcript NM_000368.5 (MANE Select); coding-DNA position 2590, G replaced by T.
Protein change: p.Glu864Ter; replaces glutamic acid 864 with a stop codon.
Molecular consequence: nonsense.
Genome position (GRCh38, 1-based): chr9:132,900,750, C>A on the plus strand (G>T on the coding strand, the complement: TSC1 is on the minus strand). VCF-style: chr9-132900750-C-A. GRCh37 (hg19) VCF-style: chr9-135776137-C-A.
Other names: c.2587G>T, p.Glu863Ter (NM_001162426.2); c.2437G>T, p.Glu813Ter (NM_001162427.2); c.2227G>T, p.Glu743Ter (NM_001362177.2); short protein forms E863*, E864*, E743*, E813*.
Identifiers: ClinVar variation 840442 (VCV000840442.8), dbSNP rs1845328711, ClinGen allele CA375369975.
Genomic context (GRCh38, chr9:132,900,750, plus strand): 5'-GTCTGGCTCCCGAGCCCTGGCATACCTTTGTGGTATCTGAGTGCTTGTTCTGCAGTTGTT[C>A]CAAATAGAGCTCGTTGACCTCCCCAAGAACCAACAGCTGCCTGTTCAAGAACTCCATCTG-3'